The following is an entry in ClinVar:

NM_004168.4(SDHA):c.150_150+1delinsTA

Gene: SDHA (succinate dehydrogenase complex flavoprotein subunit A; plus strand). Cytogenetic location: 5p15.33.
Variant type: Indel.
Coding change: c.150_150+1delinsTA on transcript NM_004168.4 (MANE Select); coding-DNA position 150 through the canonical splice donor site of the intron after coding-DNA position 150, CG replaced by TA.
Molecular consequence: splice donor variant.
Genome position (GRCh38, 1-based): chr5:223,568-223,569, CG replaced by TA. VCF-style: chr5-223568-CG-TA. GRCh37 (hg19) VCF-style: chr5-223683-CG-TA.
Other names: c.150_150+1delCGinsTA (NM_004168.2); c.150_150+1delinsTA (NM_001330758.2, NM_001294332.2).
Identifiers: ClinVar variation 1068390 (VCV001068390.13), dbSNP rs2126539987, ClinGen allele CA2499217813.
Genomic context (GRCh38, chr5:223,568, plus strand): 5'-CCGAGGTTTTCACTTCACTGTTGATGGGAACAAGAGGGCATCTGCTAAAGTTTCAGATTC[CG>TA]TAAGTTCATGCTTTTTGTTCCATTATAAATGATTTTTTTGGCTTAGGGGGTAAGGATCTA-3'

ClinVar aggregate classification (germline): Conflicting classifications of pathogenicity. Review status: criteria provided, conflicting classifications (1 of 4 stars). 2 submissions from 2 submitters: Likely pathogenic (1); Uncertain significance (1). Last evaluated 2025-09-25.

Conditions:
Mitochondrial complex II deficiency, nuclear type 1. Also called: SUCCINATE CoQ REDUCTASE DEFICIENCY. Identifiers: Orphanet 3208, MedGen C5700310, MONDO:0100294, OMIM 252011.
Pheochromocytoma/paraganglioma syndrome 5. Also called: Paragangliomas 5; SDHA-Related Hereditary Paraganglioma-Pheochromocytoma Syndrome. Identifiers: Orphanet 29072, MedGen C3279992, MONDO:0013602, OMIM 614165.
Hereditary cancer-predisposing syndrome. Also called: Tumor predisposition; Hereditary neoplastic syndrome; Neoplastic Syndromes, Hereditary; Hereditary Cancer Syndrome. Identifiers: Orphanet 140162, MedGen C0027672, MeSH D009386, MONDO:0015356.

Submissions (2):

Ambry Genetics
Classification: Uncertain significance for Hereditary cancer-predisposing syndrome. Last evaluated: 2025-09-25. Review status: criteria provided, single submitter. Criteria: Ambry Variant Classification Scheme 2023. Collection method: clinical testing. Allele origin: germline.
Comment: The c.150_150+1delCGinsTA variant results from a deletion of 2 nucleotides and insertion of 2 nucleotides at positions c.150 to c.150+1 and involves the canonical splice donor site after coding exon 2 of the SDHA gene. The canonical splice donor site is highly conserved in available vertebrate species. In silico splice site analysis predicts that this alteration will weaken the native splice donor site. RNA studies have demonstrated that this alteration results in a transcript predicted to lead to a protein with an in-frame deletion of 29 amino acids; however, the exact functional impact of the deleted amino acids is unknown at this time (Ambry internal data). Based on the available evidence, the clinical significance of this variant remains unclear.

Labcorp Genetics (formerly Invitae), Labcorp
Classification: Likely pathogenic for Pheochromocytoma/paraganglioma syndrome 5; Mitochondrial complex II deficiency, nuclear type 1. Last evaluated: 2022-02-24. Review status: criteria provided, single submitter. Criteria: Invitae Variant Classification Sherloc (09022015). Collection method: clinical testing. Allele origin: germline.
Comment: This sequence change affects a donor splice site in intron 2 of the SDHA gene. It is expected to disrupt RNA splicing. Variants that disrupt the donor or acceptor splice site typically lead to a loss of protein function (PMID: 16199547), and loss-of-function variants in SDHA are known to be pathogenic (PMID: 22974104, 24781757). Information on the frequency of this variant in the gnomAD database is not available, as this variant may be reported differently in the database. In summary, the currently available evidence indicates that the variant is pathogenic, but additional data are needed to prove that conclusively. Therefore, this variant has been classified as Likely Pathogenic. Algorithms developed to predict the effect of sequence changes on RNA splicing suggest that this variant may disrupt the consensus splice site. ClinVar contains an entry for this variant (Variation ID: 1068390). This variant has not been reported in the literature in individuals affected with SDHA-related conditions.

Literature cited by the submitters: PubMed 16199547 (cited by Labcorp Genetics (formerly Invitae), Labcorp); PubMed 22974104 (cited by Labcorp Genetics (formerly Invitae), Labcorp); PubMed 24781757 (cited by Labcorp Genetics (formerly Invitae), Labcorp).